The following is an entry in ClinVar:

ClinVar aggregate classification (germline): Uncertain significance (0 of 4 stars; one submission).

Conditions:
KIF11-related disorder. Also called: KIF11-related condition.

Submission:

PreventionGenetics, part of Exact Sciences
Classification: Uncertain significance for KIF11-related condition. Last evaluated: 2024-09-26. Review status: no assertion criteria provided. Collection method: clinical testing. Allele origin: germline.
Comment: The KIF11 c.904C>T variant is predicted to result in the amino acid substitution p.Leu302Phe. To our knowledge, this variant has not been reported in the literature or in a large population database, indicating this variant is rare. At this time, the clinical significance of this variant is uncertain due to the absence of conclusive functional and genetic evidence.

NM_004523.4(KIF11):c.904C>T (p.Leu302Phe)

Gene: KIF11 (kinesin family member 11; plus strand). Cytogenetic location: 10q23.33.
Variant type: single nucleotide variant.
Coding change: c.904C>T on transcript NM_004523.4 (MANE Select); coding-DNA position 904, C replaced by T.
Protein change: p.Leu302Phe; replaces leucine 302 with phenylalanine.
Molecular consequence: missense variant.
Genome position (GRCh38, 1-based): chr10:92,613,491, C>T. VCF-style: chr10-92613491-C-T. GRCh37 (hg19) VCF-style: chr10-94373248-C-T.
Other names: short protein forms L302F.
Identifiers: ClinVar variation 3344538 (VCV003344538.1).